The following is an entry in ClinVar:

NM_025114.4(CEP290):c.7319T>C (p.Leu2440Pro)

Genes: CEP290 (centrosomal protein 290; minus strand), RLIG1 (RNA 5'-phosphate and 3'-OH ligase 1; plus strand). Cytogenetic location: 12q21.32.
Variant type: single nucleotide variant.
Coding change: c.7319T>C on transcript NM_025114.4 (MANE Select); coding-DNA position 7319, T replaced by C.
Protein change: p.Leu2440Pro; replaces leucine 2440 with proline.
Molecular consequence: missense variant. On other transcripts: 3 prime UTR variant (1).
Genome position (GRCh38, 1-based): chr12:88,049,305, A>G on the plus strand (T>C on the coding strand, the complement: CEP290 is on the minus strand). VCF-style: chr12-88049305-A-G. GRCh37 (hg19) VCF-style: chr12-88443082-A-G.
Other names: c.*883A>G (NM_001009894.3); short protein forms L2440P.
Identifiers: ClinVar variation 4989329 (VCV004989329.1).

ClinVar aggregate classification (germline): Uncertain significance (1 of 4 stars; one submission).

Conditions:
CEP290-related disorder. Also called: CEP290-related condition; CEP290-related disorders. Identifiers: MedGen CN239314.

gnomAD v4.1: 4 of 1,598,842 alleles (0.00025%); highest among the groups gnomAD compares: Non-Finnish European, 0.00034%; no homozygotes.

Submission:

PreventionGenetics, part of Exact Sciences
Classification: Uncertain significance for CEP290-related condition. Last evaluated: 2024-10-18. Review status: criteria provided, single submitter. Criteria: ACMG Guidelines, 2015. Collection method: clinical testing. Allele origin: germline.
Comment: The CEP290 c.7319T>C variant is predicted to result in the amino acid substitution p.Leu2440Pro. To our knowledge, this variant has not been reported in the literature or in a large population database (gnomAD), indicating this variant is rare. At this time, the clinical significance of this variant is uncertain due to the absence of conclusive functional and genetic evidence.